The following is an entry in ClinVar:

ClinVar aggregate classification (germline): Uncertain significance (1 of 4 stars; one submission).

Allele frequency attached by ClinVar (database versions not stated): gnomAD exomes 0.00003; ExAC 0.00005; ESP Exome Variant Server 0.00008.
gnomAD v4.1: 34 of 1,608,056 alleles (0.0021%); highest among the groups gnomAD compares: Non-Finnish European, 0.0029%; no homozygotes.

Submission:

Labcorp Genetics (formerly Invitae), Labcorp
Classification: Uncertain significance. Last evaluated: 2022-02-14. Review status: criteria provided, single submitter. Criteria: Invitae Variant Classification Sherloc (09022015). Collection method: clinical testing. Allele origin: germline.
Comment: This sequence change replaces alanine, which is neutral and non-polar, with glycine, which is neutral and non-polar, at codon 544 of the HELLS protein (p.Ala544Gly). This variant is present in population databases (rs376323192, gnomAD 0.007%). This variant has not been reported in the literature in individuals affected with HELLS-related conditions. Algorithms developed to predict the effect of missense changes on protein structure and function (SIFT, PolyPhen-2, Align-GVGD) all suggest that this variant is likely to be tolerated. Algorithms developed to predict the effect of sequence changes on RNA splicing suggest that this variant may create or strengthen a splice site. In summary, the available evidence is currently insufficient to determine the role of this variant in disease. Therefore, it has been classified as a Variant of Uncertain Significance.

NM_018063.5(HELLS):c.1631C>G (p.Ala544Gly)

Gene: HELLS (helicase, lymphoid specific; plus strand). Cytogenetic location: 10q23.33.
Variant type: single nucleotide variant.
Coding change: c.1631C>G on transcript NM_018063.5 (MANE Select); coding-DNA position 1631, C replaced by G.
Protein change: p.Ala544Gly; replaces alanine 544 with glycine.
Molecular consequence: missense variant.
Genome position (GRCh38, 1-based): chr10:94,590,640, C>G. VCF-style: chr10-94590640-C-G. GRCh37 (hg19) VCF-style: chr10-96350397-C-G.
Other names: c.1769C>G, p.Ala590Gly (NM_001289067.2); c.1583C>G, p.Ala528Gly (NM_001289068.2); c.1535C>G, p.Ala512Gly (NM_001289069.2); c.1337C>G, p.Ala446Gly (NM_001289070.2); c.1259C>G, p.Ala420Gly (NM_001289071.2); c.1241C>G, p.Ala414Gly (NM_001289072.2); c.1217C>G, p.Ala406Gly (NM_001289073.2); c.548C>G, p.Ala183Gly (NM_001289074.2); and 1 more; short protein forms A183G, A138G, A406G, A446G, A544G, A414G, A512G, A420G.
Identifiers: ClinVar variation 1408500 (VCV001408500.5), dbSNP rs376323192, ClinGen allele CA5615559.